The following is an entry in ClinVar:

NM_058179.4(PSAT1):c.905A>G (p.Asn302Ser)

Gene: PSAT1 (phosphoserine aminotransferase 1; plus strand). Cytogenetic location: 9q21.2.
Variant type: single nucleotide variant.
Coding change: c.905A>G on transcript NM_058179.4 (MANE Select); coding-DNA position 905, A replaced by G.
Protein change: p.Asn302Ser; replaces asparagine 302 with serine.
Molecular consequence: missense variant. On other transcripts: intron variant (1).
Genome position (GRCh38, 1-based): chr9:78,328,086, A>G. VCF-style: chr9-78328086-A-G. GRCh37 (hg19) VCF-style: chr9-80943002-A-G.
Other names: c.870-895A>G (NM_021154.5); short protein forms N302S.
Identifiers: ClinVar variation 977063 (VCV000977063.6), dbSNP rs1828527111, ClinGen allele CA373860827.
Genomic context (GRCh38, chr9:78,328,086, plus strand): 5'-CTGGAATAATAAACATGTTTTTCAGTTGTCCAGTGGAGCCCCAAAATAGAAGCAAGATGA[A>G]TATTCCATTCCGCATTGGCAATGCCAAAGGAGATGATGCTTTAGAAAAAAGATTTCTTGA-3'
Protein context (NP_478059.1, residues 292-312): PVEPQNRSKM[Asn302Ser]IPFRIGNAKG

ClinVar aggregate classification (germline): Uncertain significance. Review status: criteria provided, multiple submitters, no conflicts (2 of 4 stars). 3 submissions from 3 submitters: Uncertain significance (2). 1 of the submissions does not count toward it. Last evaluated 2024-03-26.

Conditions:
Neu-Laxova syndrome 2. Identifiers: Orphanet 2671, Orphanet 583602, MedGen C4015019, MONDO:0014466, OMIM 616038.
PSAT deficiency. Identifiers: Orphanet 284417, MedGen C1970253, MONDO:0012596, OMIM 610992.

Submissions (3):

Genomic Medicine Center of Excellence, King Faisal Specialist Hospital and Research Centre
Classification: Uncertain significance for PSAT deficiency. Last evaluated: 2024-03-26. Review status: criteria provided, single submitter. Criteria: ACMG Guidelines, 2015. Collection method: clinical testing. Allele origin: germline.

Labcorp Genetics (formerly Invitae), Labcorp
Classification: Uncertain significance for Neu-Laxova syndrome 2. Last evaluated: 2022-07-25. Review status: criteria provided, single submitter. Criteria: Invitae Variant Classification Sherloc (09022015). Collection method: clinical testing. Allele origin: germline.
Comment: This sequence change replaces asparagine, which is neutral and polar, with serine, which is neutral and polar, at codon 302 of the PSAT1 protein (p.Asn302Ser). This variant is not present in population databases (gnomAD no frequency). This variant has not been reported in the literature in individuals affected with PSAT1-related conditions. ClinVar contains an entry for this variant (Variation ID: 977063). Algorithms developed to predict the effect of missense changes on protein structure and function (SIFT, PolyPhen-2, Align-GVGD) all suggest that this variant is likely to be disruptive. Experimental studies have shown that this missense change does not substantially affect PSAT1 function (PMID: 32077105). In summary, the available evidence is currently insufficient to determine the role of this variant in disease. Therefore, it has been classified as a Variant of Uncertain Significance.

Dudley Research Group, Pacific Northwest Research Institute
No classification provided. Review status: no classification provided. Collection method: research, in vivo. Allele origin: unknown, not applicable. Functional consequence: function_uncertain_variant. Not counted in ClinVar's aggregate classification.

Literature cited by the submitters: PubMed 32077105 (cited by Labcorp Genetics (formerly Invitae), Labcorp).